The following is an entry in ClinVar:

ClinVar aggregate classification (germline): Pathogenic/Likely pathogenic. Review status: criteria provided, multiple submitters, no conflicts (2 of 4 stars). 2 submissions from 2 submitters: Pathogenic (1); Likely pathogenic (1). Last evaluated 2026-05-27.

Conditions:
Neurodevelopmental disorder. Identifiers: MedGen C1535926, MeSH D065886, MONDO:0700092.
Inborn genetic diseases. Identifiers: MedGen C0950123, MeSH D030342.

Submissions (2):

Laboratory of Molecular Genetics (Pr. Bezieau's lab), CHU de Nantes
Classification: Pathogenic for Neurodevelopmental disorder. Last evaluated: 2026-05-27. Review status: criteria provided, single submitter. Criteria: ACMG Guidelines, 2015. Collection method: clinical testing. Allele origin: de novo. Inheritance: Autosomal dominant inheritance. Affected: yes. Observed: 1 variant allele, 1 heterozygote.
Comment: Evidence for loss of function/haploinsufficiency being pathogenic in PMID: 41415500. ACMG criteria: PVS1, PS2, PM2. Protein change: p.(Gln184*).

Ambry Genetics
Classification: Likely pathogenic for Inborn genetic diseases. Last evaluated: 2014-06-17. Review status: criteria provided, single submitter. Criteria: Ambry General Variant Classification Scheme_2022. Collection method: clinical testing. Allele origin: germline. Observed: 1 variant allele.
Comment: The c.550C>T (p.Q184*) alteration, located in exon 1 (coding exon 1) of the PCBP1 gene, consists of a C to T substitution at nucleotide position 550. This changes the amino acid from a glutamine (Q) to a stop codon at amino acid position 184. Premature stop codons are typically deleterious in nature (Richards, 2015). Based on the available evidence, this alteration is classified as likely pathogenic.

Literature cited by the submitters: PubMed 41415500 (cited by Laboratory of Molecular Genetics (Pr. Bezieau's lab), CHU de Nantes).

NM_006196.4(PCBP1):c.550C>T (p.Gln184Ter)

Gene: PCBP1 (poly(rC) binding protein 1; plus strand). Cytogenetic location: 2p13.3.
Variant type: single nucleotide variant.
Coding change: c.550C>T on transcript NM_006196.4 (MANE Select); coding-DNA position 550, C replaced by T.
Protein change: p.Gln184Ter; replaces glutamine 184 with a stop codon.
Molecular consequence: nonsense.
Genome position (GRCh38, 1-based): chr2:70,088,293, C>T. VCF-style: chr2-70088293-C-T. GRCh37 (hg19) VCF-style: chr2-70315425-C-T.
Other names: short protein forms Q184*.
Identifiers: ClinVar variation 208707 (VCV000208707.5), dbSNP rs797044899, ClinGen allele CA204728.